The following is an entry in ClinVar:

ClinVar aggregate classification (germline): Uncertain significance (1 of 4 stars; one submission).

Submission:

Labcorp Genetics (formerly Invitae), Labcorp
Classification: Uncertain significance. Last evaluated: 2025-10-27. Review status: criteria provided, single submitter. Criteria: Invitae Variant Classification Sherloc (09022015). Collection method: clinical testing. Allele origin: germline.
Comment: This sequence change replaces glycine, which is neutral and non-polar, with serine, which is neutral and polar, at codon 604 of the HIVEP2 protein (p.Gly604Ser). This variant is not present in population databases (gnomAD no frequency). This variant has not been reported in the literature in individuals affected with HIVEP2-related conditions. This missense change has been observed in at least one individual who was not affected with HIVEP2-related conditions (internal data). Invitae Evidence Modeling of protein sequence and biophysical properties (such as structural, functional, and spatial information, amino acid conservation, physicochemical variation, residue mobility, and thermodynamic stability) indicates that this missense variant is expected to disrupt HIVEP2 protein function with a positive predictive value of 80%. In summary, the available evidence is currently insufficient to determine the role of this variant in disease. Therefore, it has been classified as a Variant of Uncertain Significance.

NM_006734.4(HIVEP2):c.1810G>A (p.Gly604Ser)

Gene: HIVEP2 (HIVEP zinc finger 2; minus strand). Cytogenetic location: 6q24.2.
Variant type: single nucleotide variant.
Coding change: c.1810G>A on transcript NM_006734.4 (MANE Select); coding-DNA position 1810, G replaced by A.
Protein change: p.Gly604Ser; replaces glycine 604 with serine.
Molecular consequence: missense variant.
Genome position (GRCh38, 1-based): chr6:142,772,929, C>T on the plus strand (G>A on the coding strand, the complement: HIVEP2 is on the minus strand). VCF-style: chr6-142772929-C-T. GRCh37 (hg19) VCF-style: chr6-143094066-C-T.
Other names: c.1810G>A, p.Gly604Ser (NM_001438449.1, NM_001438450.1, NM_001438451.1); short protein forms G604S.
Identifiers: ClinVar variation 4740661 (VCV004740661.1).